The following is an entry in ClinVar:

ClinVar aggregate classification (germline): Uncertain significance (1 of 4 stars; one submission).

Conditions:
Hereditary cancer-predisposing syndrome. Also called: Neoplastic Syndromes, Hereditary; Tumor predisposition; Hereditary Cancer Syndrome; Hereditary neoplastic syndrome. Identifiers: Orphanet 140162, MedGen C0027672, MeSH D009386, MONDO:0015356.

Submission:

Ambry Genetics
Classification: Uncertain significance for Hereditary cancer-predisposing syndrome. Last evaluated: 2020-12-31. Review status: criteria provided, single submitter. Criteria: Ambry Variant Classification Scheme 2023. Collection method: clinical testing. Allele origin: germline.
Comment: The p.G420V variant (also known as c.1259G>T), located in coding exon 13 of the BAP1 gene, results from a G to T substitution at nucleotide position 1259. The glycine at codon 420 is replaced by valine, an amino acid with dissimilar properties. This amino acid position is poorly conserved in available vertebrate species. In addition, this alteration is predicted to be tolerated by in silico analysis. Since supporting evidence is limited at this time, the clinical significance of this alteration remains unclear.

NM_004656.4(BAP1):c.1259G>T (p.Gly420Val)

Gene: BAP1 (BRCA1 associated deubiquitinase 1; minus strand). Cytogenetic location: 3p21.1.
Variant type: single nucleotide variant.
Coding change: c.1259G>T on transcript NM_004656.4 (MANE Select); coding-DNA position 1259, G replaced by T.
Protein change: p.Gly420Val; replaces glycine 420 with valine.
Molecular consequence: missense variant.
Genome position (GRCh38, 1-based): chr3:52,403,886, C>A on the plus strand (G>T on the coding strand, the complement: BAP1 is on the minus strand). VCF-style: chr3-52403886-C-A. GRCh37 (hg19) VCF-style: chr3-52437902-C-A.
Other names: c.1205G>T, p.Gly402Val (NM_001410772.1); short protein forms G420V, G402V.
Identifiers: ClinVar variation 1762592 (VCV001762592.2), dbSNP rs763789102, ClinGen allele CA353102499.